The following is an entry in ClinVar:

NM_001102416.3(KNG1):c.306+2T>A

Gene: KNG1 (kininogen 1; plus strand). Cytogenetic location: 3q27.3.
Variant type: single nucleotide variant.
Coding change: c.306+2T>A on transcript NM_001102416.3 (MANE Select); the canonical splice donor site of the intron after coding-DNA position 306, T replaced by A.
Molecular consequence: splice donor variant.
Genome position (GRCh38, 1-based): chr3:186,720,217, T>A. VCF-style: chr3-186720217-T-A. GRCh37 (hg19) VCF-style: chr3-186438006-T-A.
Other names: c.306+2T>A (NM_000893.4, NM_001166451.2).
Identifiers: ClinVar variation 2578035 (VCV002578035.1), dbSNP rs2473875619, ClinGen allele CA355718236.

ClinVar aggregate classification (germline): Pathogenic (1 of 4 stars; one submission).

Conditions:
High molecular weight kininogen deficiency. Also called: Reduced kininogen activity; Congenital high-molecular-weight kininogen deficiency; FITZGERALD TRAIT; HMWK DEFICIENCY. Identifiers: Orphanet 483, MedGen C0272340, MONDO:0009234, OMIM 228960, HP:0005527.

Submission:

Institute for Clinical Chemistry and Laboratory Medicine, University Medical Center Mainz
Classification: Pathogenic for High molecular weight kininogen deficiency. Last evaluated: 2023-09-04. Review status: criteria provided, single submitter. Criteria: ACMG Guidelines, 2015. Collection method: clinical testing. Allele origin: germline. Inheritance: Autosomal recessive inheritance. Affected: yes. Observed: 3 variant alleles, 2 heterozygotes, 1 homozygote. Clinical features observed: Prolonged partial thromboplastin time (HP:0003645), High molecular weight kininogen deficiency (HP:0005527).
Comment: This canonical splice site variant, NM_001102416.3(KNG1):c.306+2T>A, was detected in a homozygous individual deficient in high-molecular-weight kininogen (<2% HK activity, <1% HK antigen, prolonged aPTT) (PMID: 36700498) using Sanger Sequncing. Gros deletions and insertions in the corresponding area were excluded using ddPCR. The two children of the index case are heterozygous carriers of the variant and show slightly decreased HK antigen levels (37-44%). The variant has otherwise not been described in the literature and is not included in the dbSNP, which is why a very low MAF can be assumed. Predictions tools predict pathogenicity. Due to the location of the variant, a combined deficiency of HK and low-molecular-weight kininogen is likely. The base exchange affects the canonical, highly conserved donor splice site of IVS 2. Therefore, we classified this variant as pathogenic.

Literature cited by the submitters: PubMed 36700498.